The following is an entry in ClinVar:

ClinVar aggregate classification (germline): Benign. Review status: criteria provided, multiple submitters, no conflicts (2 of 4 stars). 9 submissions from 9 submitters: Benign (8). 1 of the submissions does not count toward it. Last evaluated 2026-02-04.

Conditions:
Inborn genetic diseases. Identifiers: MedGen C0950123, MeSH D030342.
Kleefstra syndrome 1 (KLEFS1). Identifiers: Orphanet 261494, MedGen C0795833, MONDO:0027407, OMIM 610253.

Allele frequency attached by ClinVar (database versions not stated): gnomAD 0.23632 and 0.24021; gnomAD exomes 0.28822 and 0.27565; 1000 Genomes Project 30x 0.23048; 1000 Genomes Project 0.22784; ExAC 0.27913; ESP Exome Variant Server 0.22078; TOPMed 0.24402.
gnomAD v4.1: 437,510 of 1,608,838 alleles (27%); highest among the groups gnomAD compares: Admixed American, 45%; 62,643 homozygotes.

Submissions (9):

Labcorp Genetics (formerly Invitae), Labcorp
Classification: Benign for Kleefstra syndrome 1. Last evaluated: 2026-02-04. Review status: criteria provided, single submitter. Criteria: Invitae Variant Classification Sherloc (09022015). Collection method: clinical testing. Allele origin: germline.

Mayo Clinic Laboratories, Mayo Clinic
Classification: Benign. Last evaluated: 2021-11-29. Review status: criteria provided, single submitter. Criteria: ACMG Guidelines, 2015. Collection method: clinical testing. Allele origin: germline. Observed: 118 variant alleles.

Genome-Nilou Lab
Classification: Benign for Kleefstra syndrome 1. Last evaluated: 2021-07-30. Review status: criteria provided, single submitter. Criteria: ACMG Guidelines, 2015. Collection method: clinical testing. Allele origin: germline. Affected: no.

GeneDx
Classification: Benign. Last evaluated: 2018-07-05. Review status: criteria provided, single submitter. Criteria: GeneDx Variant Classification Process June 2021. Collection method: clinical testing. Allele origin: germline. Affected: yes.

Ambry Genetics
Classification: Benign for Inborn genetic diseases. Last evaluated: 2016-03-11. Review status: criteria provided, single submitter. Criteria: Ambry Variant Classification Scheme 2023. Collection method: clinical testing. Allele origin: germline.

Eurofins Ntd Llc (ga)
Classification: Benign. Last evaluated: 2014-05-23. Review status: criteria provided, single submitter. Criteria: EGL Classification Definitions 2015. Collection method: clinical testing. Allele origin: germline. Observed: 25 variant alleles, 24 heterozygotes, 1 homozygote.

Breakthrough Genomics
Classification: Benign. Review status: criteria provided, single submitter. Criteria: ACMG Guidelines, 2015. Collection method: not provided. Allele origin: germline. Inheritance: Autosomal dominant inheritance. Affected: yes.

PreventionGenetics, part of Exact Sciences
Classification: Benign. Review status: criteria provided, single submitter. Criteria: ACMG Guidelines, 2015. Collection method: clinical testing. Allele origin: germline.

Genetic Services Laboratory, University of Chicago
Classification: Likely benign for AllHighlyPenetrant. Review status: no assertion criteria provided. Collection method: clinical testing. Allele origin: germline. Inheritance: Autosomal dominant inheritance. Not counted in ClinVar's aggregate classification.
Comment: Likely benign based on allele frequency in 1000 Genomes Project or ESP global frequency and its presence in a patient with a rare or unrelated disease phenotype. NOT Sanger confirmed.

NM_024757.5(EHMT1):c.444T>C (p.Pro148=)

Gene: EHMT1 (euchromatic histone lysine methyltransferase 1; plus strand). Cytogenetic location: 9q34.3.
Variant type: single nucleotide variant.
Coding change: c.444T>C on transcript NM_024757.5 (MANE Select); coding-DNA position 444, T replaced by C.
Protein change: p.Pro148=; no amino-acid change (proline 148 retained).
Molecular consequence: synonymous variant.
Genome position (GRCh38, 1-based): chr9:137,716,984, T>C. VCF-style: chr9-137716984-T-C. GRCh37 (hg19) VCF-style: chr9-140611436-T-C.
Other names: p.Pro148=; c.444T>C, p.Pro148= (NM_001145527.2, NM_001354263.2, NM_001354611.2); c.351T>C, p.Pro117= (NM_001354259.2, NM_001354612.2).
Identifiers: ClinVar variation 65738 (VCV000065738.30), dbSNP rs3812497, ClinGen allele CA149309.